The following is an entry in ClinVar:

NM_001387283.1(SMARCA4):c.4264A>C (p.Lys1422Gln)

Gene: SMARCA4 (SWI/SNF related BAF chromatin remodeling complex subunit ATPase 4; plus strand). Cytogenetic location: 19p13.2.
Variant type: single nucleotide variant.
Coding change: c.4264A>C on transcript NM_001387283.1 (MANE Plus Clinical); coding-DNA position 4264, A replaced by C.
Protein change: p.Lys1422Gln; replaces lysine 1422 with glutamine.
Molecular consequence: missense variant. On other transcripts: intron variant (7).
Genome position (GRCh38, 1-based): chr19:11,039,551, A>C. VCF-style: chr19-11039551-A-C. GRCh37 (hg19) VCF-style: chr19-11150227-A-C.
Other names: c.4264A>C, p.Lys1422Gln (NM_001128849.3); c.4165A>C, p.Lys1389Gln (NM_001411150.1); c.4171-1756A>C (NM_001128844.3, NM_003072.5); c.4072-1756A>C (NM_001128847.4, NM_001374457.1, NM_001128848.2); c.4072-1747A>C (NM_001128845.2, NM_001128846.2); short protein forms K1389Q, K1422Q.
Identifiers: ClinVar variation 3729357 (VCV003729357.2).

ClinVar aggregate classification (germline): Uncertain significance (1 of 4 stars; one submission).

Conditions:
Rhabdoid tumor predisposition syndrome 2 (RTPS2). Identifiers: Orphanet 231108, Orphanet 69077, MedGen C2750074, MONDO:0013224, OMIM 613325.

Submission:

Labcorp Genetics (formerly Invitae), Labcorp
Classification: Uncertain significance for Rhabdoid tumor predisposition syndrome 2. Last evaluated: 2025-01-22. Review status: criteria provided, single submitter. Criteria: Invitae Variant Classification Sherloc (09022015). Collection method: clinical testing. Allele origin: germline.
Comment: This sequence change replaces lysine, which is basic and polar, with glutamine, which is neutral and polar, at codon 1422 of the SMARCA4 protein (p.Lys1422Gln). This variant is not present in population databases (gnomAD no frequency). This variant has not been reported in the literature in individuals affected with SMARCA4-related conditions. An algorithm developed to predict the effect of missense changes on protein structure and function (PolyPhen-2) suggests that this variant is likely to be tolerated. In summary, the available evidence is currently insufficient to determine the role of this variant in disease. Therefore, it has been classified as a Variant of Uncertain Significance.